The following is an entry in ClinVar:

ClinVar aggregate classification (germline): Benign/Likely benign. Review status: criteria provided, multiple submitters, no conflicts (2 of 4 stars). 13 submissions from 13 submitters: Benign (1); Likely benign (8). 4 of the submissions do not count toward it. Last evaluated 2026-06-01.

Conditions:
FKBP10-related disorder. Also called: FKBP10-related condition.
Osteogenesis imperfecta (OI). Identifiers: Orphanet 666, MedGen C0029434, MeSH D010013, MONDO:0019019.
Osteogenesis imperfecta type 11. Also called: Osteogenesis imperfecta, type XI; OI, TYPE XI. Identifiers: Orphanet 666, MedGen C3151218, MONDO:0012592, OMIM 610968.

Allele frequency attached by ClinVar (database versions not stated): 1000 Genomes Project 0.00100; 1000 Genomes Project 30x 0.00141; ESP Exome Variant Server 0.00246; gnomAD exomes 0.00252 and 0.00387; gnomAD 0.00284 and 0.00320; ExAC 0.00316; TOPMed 0.00365.
gnomAD v4.1: 6,099 of 1,610,480 alleles (0.38%); highest among the groups gnomAD compares: Non-Finnish European, 0.45%; 24 homozygotes.

Submissions (13):

CeGaT Center for Human Genetics Tuebingen
Classification: Likely benign. Last evaluated: 2026-06-01. Review status: criteria provided, single submitter. Criteria: CeGaT Center For Human Genetics Tuebingen Variant Classification Criteria Version 2. Collection method: clinical testing. Allele origin: germline. Affected: yes. Observed: 5 variant alleles.
Comment: FKBP10: BS2

Labcorp Genetics (formerly Invitae), Labcorp
Classification: Likely benign. Last evaluated: 2026-02-02. Review status: criteria provided, single submitter. Criteria: Invitae Variant Classification Sherloc (09022015). Collection method: clinical testing. Allele origin: germline.

Mayo Clinic Laboratories, Mayo Clinic
Classification: Likely benign. Last evaluated: 2025-11-27. Review status: criteria provided, single submitter. Criteria: ACMG Guidelines, 2015. Collection method: clinical testing. Allele origin: germline. Observed: 1 variant allele.
Comment: BS1, BS2, PP3

Blueprint Genetics
Classification: Likely benign. Last evaluated: 2024-11-27. Review status: criteria provided, single submitter. Criteria: ACMG Guidelines, 2015. Collection method: clinical testing. Allele origin: germline.

ARUP Laboratories, Molecular Genetics and Genomics, ARUP Laboratories
Classification: Likely benign. Last evaluated: 2021-03-09. Review status: criteria provided, single submitter. Criteria: ARUP Molecular Germline Variant Investigation Process 2021. Collection method: clinical testing. Allele origin: germline.

Genome Diagnostics Laboratory, The Hospital for Sick Children
Classification: Likely benign for Osteogenesis imperfecta. Last evaluated: 2020-11-11. Review status: criteria provided, single submitter. Criteria: ACMG Guidelines, 2015. Collection method: clinical testing. Allele origin: germline.

GeneDx
Classification: Benign. Last evaluated: 2019-05-13. Review status: criteria provided, single submitter. Criteria: GeneDx Variant Classification Process June 2021. Collection method: clinical testing. Allele origin: germline. Affected: yes.

Illumina Laboratory Services, Illumina
Classification: Likely benign for Osteogenesis imperfecta type 11. Last evaluated: 2018-01-13. Review status: criteria provided, single submitter. Criteria: ICSL Variant Classification Criteria 13 December 2019. Collection method: clinical testing. Allele origin: germline.
Comment: This variant was observed in the ICSL laboratory as part of a predisposition screen in an ostensibly healthy population. It had not been previously curated by ICSL or reported in the Human Gene Mutation Database (HGMD: prior to June 1st, 2018), and was therefore a candidate for classification through an automated scoring system. Utilizing variant allele frequency, disease prevalence and penetrance estimates, and inheritance mode, an automated score was calculated to assess if this variant is too frequent to cause the disease. Based on the score and internal cut-off values, a variant classified as likely benign is not then subjected to further curation. The score for this variant resulted in a classification of likely benign for this disease.

Eurofins Ntd Llc (ga)
Classification: Likely benign. Last evaluated: 2015-09-29. Review status: criteria provided, single submitter. Criteria: EGL Classification Definitions 2015. Collection method: clinical testing. Allele origin: germline. Observed: 1 variant allele, 1 heterozygote.

PreventionGenetics, part of Exact Sciences
Classification: Likely benign for FKBP10-related condition. Last evaluated: 2022-02-25. Review status: no assertion criteria provided. Collection method: clinical testing. Allele origin: germline. Not counted in ClinVar's aggregate classification.
Comment: This variant is classified as likely benign based on ACMG/AMP sequence variant interpretation guidelines (Richards et al. 2015 PMID: 25741868, with internal and published modifications).

Clinical Genetics DNA and cytogenetics Diagnostics Lab, Erasmus MC, Erasmus Medical Center
Classification: Likely benign. Review status: no assertion criteria provided. Collection method: clinical testing. Allele origin: germline. Affected: yes. Study: VKGL Data-share Consensus. Not counted in ClinVar's aggregate classification.

Genome Diagnostics Laboratory, Amsterdam University Medical Center
Classification: Likely benign. Review status: no assertion criteria provided. Collection method: clinical testing. Allele origin: germline. Affected: yes. Study: VKGL Data-share Consensus. Not counted in ClinVar's aggregate classification.

Laboratory of Diagnostic Genome Analysis, Leiden University Medical Center (LUMC)
Classification: Likely benign. Review status: no assertion criteria provided. Collection method: clinical testing. Allele origin: germline. Affected: yes. Study: VKGL Data-share Consensus. Not counted in ClinVar's aggregate classification.

NM_021939.4(FKBP10):c.1307T>C (p.Ile436Thr)

Gene: FKBP10 (FKBP prolyl isomerase 10; plus strand). Cytogenetic location: 17q21.2.
Variant type: single nucleotide variant.
Coding change: c.1307T>C on transcript NM_021939.4 (MANE Select); coding-DNA position 1307, T replaced by C.
Protein change: p.Ile436Thr; replaces isoleucine 436 with threonine.
Molecular consequence: missense variant.
Genome position (GRCh38, 1-based): chr17:41,820,997, T>C. VCF-style: chr17-41820997-T-C. GRCh37 (hg19) VCF-style: chr17-39977249-T-C.
Other names: p.Ile436Thr; short protein forms I436T.
Identifiers: ClinVar variation 198900 (VCV000198900.77), dbSNP rs61749879, ClinGen allele CA247795.